The following is an entry in ClinVar:

ClinVar aggregate classification (germline): Benign/Likely benign. Review status: criteria provided, multiple submitters, no conflicts (2 of 4 stars). 3 submissions from 3 submitters: Benign (2); Likely benign (1). Last evaluated 2026-07-01.

Allele frequency attached by ClinVar (database versions not stated): 1000 Genomes Project 30x 0.00109; 1000 Genomes Project 0.00140; ESP Exome Variant Server 0.00192; TOPMed 0.00203; gnomAD 0.00259; gnomAD exomes 0.00291 and 0.00334; ExAC 0.00323.
gnomAD v4.1: 5,178 of 1,599,990 alleles (0.32%); highest among the groups gnomAD compares: Non-Finnish European, 0.36%; 10 homozygotes.

Submissions (3):

CeGaT Center for Human Genetics Tuebingen
Classification: Likely benign. Last evaluated: 2026-07-01. Review status: criteria provided, single submitter. Criteria: CeGaT Center For Human Genetics Tuebingen Variant Classification Criteria Version 2. Collection method: clinical testing. Allele origin: germline. Affected: yes. Observed: 20 variant alleles.
Comment: PNPT1: BP4, BS2

Labcorp Genetics (formerly Invitae), Labcorp
Classification: Benign. Last evaluated: 2026-02-03. Review status: criteria provided, single submitter. Criteria: Invitae Variant Classification Sherloc (09022015). Collection method: clinical testing. Allele origin: germline.

GeneDx
Classification: Benign. Last evaluated: 2014-07-09. Review status: criteria provided, single submitter. Criteria: GeneDx Variant Classification (06012015). Collection method: clinical testing. Allele origin: germline. Affected: yes.
Comment: This variant is considered likely benign or benign based on one or more of the following criteria: it is a conservative change, it occurs at a poorly conserved position in the protein, it is predicted to be benign by multiple in silico algorithms, and/or has population frequency not consistent with disease.

NM_033109.5(PNPT1):c.852G>C (p.Val284=)

Gene: PNPT1 (polyribonucleotide nucleotidyltransferase 1; minus strand). Cytogenetic location: 2p16.1.
Variant type: single nucleotide variant.
Coding change: c.852G>C on transcript NM_033109.5 (MANE Select); coding-DNA position 852, G replaced by C.
Protein change: p.Val284=; no amino-acid change (valine 284 retained).
Molecular consequence: synonymous variant.
Genome position (GRCh38, 1-based): chr2:55,672,907, C>G on the plus strand (G>C on the coding strand, the complement: PNPT1 is on the minus strand). VCF-style: chr2-55672907-C-G. GRCh37 (hg19) VCF-style: chr2-55900042-C-G.
Other names: p.V284V:GTG>GTC.
Identifiers: ClinVar variation 214996 (VCV000214996.52), dbSNP rs139091915, ClinGen allele CA323314.